The following is an entry in ClinVar:

ClinVar aggregate classification (germline): Uncertain significance. Review status: criteria provided, multiple submitters, no conflicts (2 of 4 stars). 7 submissions from 7 submitters: Uncertain significance (5). 2 of the submissions do not count toward it. Last evaluated 2025-12-27.

Conditions:
TLR3-related disorder. Also called: TLR3-related condition.
Susceptibility to HIV infection. Also called: Human immunodeficiency virus type 1, susceptibility to; HIV-1, SUSCEPTIBILITY TO; HUMAN IMMUNODEFICIENCY VIRUS TYPE 1, RESISTANCE TO. Identifiers: MedGen C1836230, MONDO:0004951, OMIM 609423.
Immunodeficiency 83, susceptibility to viral infections. Identifiers: Orphanet 1930, MedGen C2751803, MONDO:0800187, OMIM 613002.
Encephalopathy, acute, infection-induced (herpes-specific), susceptibility to, 1. Also called: Herpes simplex encephalitis, susceptibility to, 1. Identifiers: Orphanet 1930, MedGen C2750180, MONDO:0024563, OMIM 610551.

Allele frequency attached by ClinVar (database versions not stated): gnomAD exomes 0.00052 and 0.00041; ExAC 0.00045; gnomAD 0.00053 and 0.00049; TOPMed 0.00045.

Submissions (7):

Labcorp Genetics (formerly Invitae), Labcorp
Classification: Uncertain significance for Encephalopathy, acute, infection-induced (herpes-specific), susceptibility to, 1. Last evaluated: 2025-12-27. Review status: criteria provided, single submitter. Criteria: Invitae Variant Classification Sherloc (09022015). Collection method: clinical testing. Allele origin: germline.
Comment: This sequence change replaces proline, which is neutral and non-polar, with serine, which is neutral and polar, at codon 554 of the TLR3 protein (p.Pro554Ser). This variant is present in population databases (rs121434431, gnomAD 0.07%), and has an allele count higher than expected for a pathogenic variant. This missense change has been observed in individual(s) with herpes simplex encephalitis, severe influenza pneumonia, and/or recurrent herpes simplex virus 1–triggered erythema multiforme (PMID: 17872438, 21911422, 33174085, 34813006). ClinVar contains an entry for this variant (Variation ID: 6662). An algorithm developed to predict the effect of missense changes on protein structure and function (PolyPhen-2) suggests that this variant is likely to be disruptive. Experimental studies are conflicting or provide insufficient evidence to determine the effect of this variant on TLR3 function (PMID: 17872438, 19625408, 20472559, 20855885). In summary, the available evidence is currently insufficient to determine the role of this variant in disease. Therefore, it has been classified as a Variant of Uncertain Significance.

CeGaT Center for Human Genetics Tuebingen
Classification: Uncertain significance. Last evaluated: 2025-11-01. Review status: criteria provided, single submitter. Criteria: CeGaT Center For Human Genetics Tuebingen Variant Classification Criteria Version 2. Collection method: clinical testing. Allele origin: germline. Affected: yes. Observed: 2 variant alleles.
Comment: TLR3: PS4:Moderate, BP4

Blueprint Genetics
Classification: Uncertain significance. Last evaluated: 2024-11-11. Review status: criteria provided, single submitter. Criteria: ACMG Guidelines, 2015. Collection method: clinical testing. Allele origin: germline.

Fulgent Genetics
Classification: Uncertain significance for Susceptibility to HIV infection; Immunodeficiency 83, susceptibility to viral infections. Last evaluated: 2022-04-11. Review status: criteria provided, single submitter. Criteria: ACMG Guidelines, 2015. Collection method: clinical testing. Allele origin: unknown.

Laboratory for Molecular Medicine, Mass General Brigham Personalized Medicine
Classification: Uncertain significance. Last evaluated: 2019-02-19. Review status: criteria provided, single submitter. Criteria: LMM Criteria. Collection method: clinical testing. Allele origin: germline. Observed: 2 variant alleles.
Comment: The p.Pro554Ser variant in TLR3 has been reported in 2 heterozygous and 1 compound heterozygous individuals with herpes simplex encephalitis (HSE), and 1 heterozygous proband with enteroviral myocarditis (Zhang 2007, Gorbea 2010, Guo 2011). However, it has also been identified in multiple unaffected family members (Zhang 2007, Guo 2011) and in 0.07% (91/129040) of European chromosomes by gnomAD. This variant has been reported as a variant of uncertain significance in ClinVar (Variation ID 6662). Computational prediction tools and conservation analysis suggest that the p.Pro554Ser variant may impact the protein, though this information is not predictive enough to determine pathogenicity. Furthermore, in vitro functional assays have produced conflicting results regarding the impact of this variant on protein function (Zhang 2007, Wang 2009, Gorbea 2010, Qi 2010, Guo 2011). Finally, although TLR3 variants have been reported in association with HSE, this gene-disease relationship has not been definitively established. In summary, the clinical significance of the p.Pro554Ser variant is uncertain.

PreventionGenetics, part of Exact Sciences
Classification: Uncertain significance for TLR3-related condition. Last evaluated: 2024-06-24. Review status: no assertion criteria provided. Collection method: clinical testing. Allele origin: germline. Not counted in ClinVar's aggregate classification.
Comment: The TLR3 c.1660C>T variant is predicted to result in the amino acid substitution p.Pro554Ser. This variant has been reported in the heterozygous and compound heterozygous states in at least three individuals with acute, infection-induced herpes-specific encephalitis (HSE) (Zhang et al. 2007. PubMed ID: 17872438; Guo et al. 2011. PubMed ID: 21911422) and at least four individuals with severe influenza-induced pneumonia (Lim et al. 2019. PubMed ID: 31217193; Bucciol et al. 2022. PubMed ID: 34813006). It has also been reported in an individual with recurrent HSV1–triggered erythema multiforme and no history of HSE (Bucciol et al. 2021. PubMed ID: 33174085), one individual with Coxsackievirus B3 (CVB3)-associated myocarditis (Gorbea et al. 2010. PubMed ID: 20472559), and one individual from a cohort of patients who experienced "life-threatening" COVID-19 (Zhang et al. 2020. PubMed ID: 32972995). In vitro studies are inconclusive or conflicting regarding a possible impact on protein function. One study investigating the antiviral immune response to hepatitis C virus found that the p.Pro554Ser variant generated an immune response comparable to wild type in transformed hepatocytes (Wang et al. 2009. PubMed ID: 19625408). Another study found that p.Pro554Ser was able to generate a normal immune response but had reduced expression at the cell surface indicative of a possible intracellular trafficking defect (Qi et al. 2010. PubMed ID: 20855885). On the other hand, several additional studies have demonstrated a complete loss of function in patient fibroblasts or transformed, TLR3-deficient fibrosarcoma cell lines (Zhang et al. 2007. PubMed ID: 17872438; Guo et al. 2011. PubMed ID: 21911422; Lim et al. 2019. PubMed ID: 31217193; Zhang et al. 2020. PubMed ID: 32972995). This variant is reported in 0.071% of alleles in individuals of European (Non-Finnish) descent in gnomAD. Incomplete penetrance has been reported in several studies (Zhang et al. 2007. PubMed ID: 17872438; Guo et al. 2011. PubMed ID: 21911422; reviewed in Mielcarska et al. 2018. PubMed ID: 29305044). Taken together, the clinical significance of the p.Pro554Ser variant is uncertain at this time due to the absence of conclusive functional and genetic evidence.

OMIM
Classification: risk factor for IMMUNODEFICIENCY 83, SUSCEPTIBILITY TO VIRAL INFECTIONS. Last evaluated: 2007-09-14. Review status: no assertion criteria provided. Collection method: literature only. Allele origin: germline. Not counted in ClinVar's aggregate classification.

Literature cited by the submitters: PubMed 17872438 (cited by 3 submitters); PubMed 21911422 (cited by 3 submitters); PubMed 33174085 (cited by Labcorp Genetics (formerly Invitae), Labcorp); PubMed 34813006 (cited by Labcorp Genetics (formerly Invitae), Labcorp); PubMed 19625408 (cited by Labcorp Genetics (formerly Invitae), Labcorp and Laboratory for Molecular Medicine, Mass General Brigham Personalized Medicine); PubMed 20472559 (cited by Labcorp Genetics (formerly Invitae), Labcorp and Laboratory for Molecular Medicine, Mass General Brigham Personalized Medicine); PubMed 20855885 (cited by Labcorp Genetics (formerly Invitae), Labcorp and Laboratory for Molecular Medicine, Mass General Brigham Personalized Medicine); PubMed 25339207 (cited by Laboratory for Molecular Medicine, Mass General Brigham Personalized Medicine); PubMed 29305044 (cited by Laboratory for Molecular Medicine, Mass General Brigham Personalized Medicine); PubMed 28046022 (cited by Laboratory for Molecular Medicine, Mass General Brigham Personalized Medicine); PubMed 31217193 (cited by OMIM).

NM_003265.3(TLR3):c.1660C>T (p.Pro554Ser)

Gene: TLR3 (toll like receptor 3; plus strand). Cytogenetic location: 4q35.1.
Variant type: single nucleotide variant.
Coding change: c.1660C>T on transcript NM_003265.3 (MANE Select); coding-DNA position 1660, C replaced by T.
Protein change: p.Pro554Ser; replaces proline 554 with serine.
Molecular consequence: missense variant.
Genome position (GRCh38, 1-based): chr4:186,083,346, C>T. VCF-style: chr4-186083346-C-T. GRCh37 (hg19) VCF-style: chr4-187004500-C-T.
Other names: short protein forms P554S.
Identifiers: ClinVar variation 6662 (VCV000006662.26), dbSNP rs121434431, ClinGen allele CA118408.